The following is an entry in ClinVar:

NM_002180.3(IGHMBP2):c.983_987del (p.Lys328fs)

Gene: IGHMBP2 (immunoglobulin mu DNA binding protein 2; plus strand). Cytogenetic location: 11q13.3.
Variant type: Microsatellite.
Coding change: c.983_987del on transcript NM_002180.3 (MANE Select); coding-DNA positions 983 to 987, 5 bases deleted (AAGAA; older notation c.983_987delAAGAA).
Protein change: p.Lys328fs; shifts the reading frame from lysine 328.
Molecular consequence: frameshift variant.
Genome position (GRCh38, 1-based): chr11:68,917,806-68,917,810, AAGAA deleted; deleting any 5 consecutive bases within chr11:68,917,801-68,917,810 gives the same sequence; the c. name uses the placement nearest the transcript's 3' end. VCF-style (leftmost placement, unchanged base first): chr11-68917800-TAAGAA-T. GRCh37 (hg19) VCF-style: chr11-68685268-TAAGAA-T.
Other names: c.983_987delAAGAA (NM_002180.2); c.983_987del5 (NM_002180.2); short protein forms K328fs.
Identifiers: ClinVar variation 217449 (VCV000217449.18), dbSNP rs746581714, ClinGen allele CA6153470.
Genomic context (GRCh38, chr11:68,917,800, plus strand): 5'-AAAACAAAAAGACCCAGGATAAGAGAGAGAAAAGTAATTTTCGAAATGAAATTAAGCTGT[TAAGAA>T]AAGAACTGAAGGAGAGGGAAGAAGCAGCTATGCTCGAGAGCCTCACTTCGGCAAACGTGG-3'

ClinVar aggregate classification (germline): Pathogenic/Likely pathogenic. Review status: criteria provided, multiple submitters, no conflicts (2 of 4 stars). 9 submissions from 8 submitters: Pathogenic (5); Likely pathogenic (2). 2 of the submissions do not count toward it. Last evaluated 2025-10-02.

Conditions:
Neuronopathy, distal hereditary motor, autosomal dominant. Also called: Autosomal dominant distal hereditary motor neuropathy. Identifiers: Orphanet 140465, MedGen C5548212, MONDO:0015362.
IGHMBP2-related disorder. Also called: IGHMBP2-related condition; IGHMBP2-related disorders.
Charcot-Marie-Tooth disease axonal type 2S. Also called: CHARCOT-MARIE-TOOTH DISEASE, AXONAL, AUTOSOMAL RECESSIVE, TYPE 2S; CHARCOT-MARIE-TOOTH NEUROPATHY, TYPE 2S. Identifiers: Orphanet 443073, MedGen C4015349, MONDO:0014511, OMIM 616155.
Charcot-Marie-Tooth disease. Also called: Charcot-Marie-Tooth Hereditary Neuropathy; Charcot-Marie-Tooth Neuropathy. Identifiers: Orphanet 166, MedGen C0007959, MONDO:0015626.
Autosomal recessive distal spinal muscular atrophy 1. Also called: NEURONOPATHY, DISTAL HEREDITARY MOTOR, HARDING TYPE VI; NEUROPATHY, DISTAL HEREDITARY MOTOR, AUTOSOMAL RECESSIVE 1; NEURONOPATHY, SEVERE INFANTILE AXONAL, WITH RESPIRATORY FAILURE; HMN VI; SEVERE INFANTILE AXONAL NEUROPATHY WITH RESPIRATORY FAILURE; SPINAL MUSCULAR ATROPHY, DIAPHRAGMATIC. Identifiers: Orphanet 98920, MedGen C1858517, MONDO:0011436, OMIM 604320.

Submissions (9):

Labcorp Genetics (formerly Invitae), Labcorp
Classification: Pathogenic for Autosomal recessive distal spinal muscular atrophy 1; Charcot-Marie-Tooth disease axonal type 2S. Last evaluated: 2025-10-02. Review status: criteria provided, single submitter. Criteria: Invitae Variant Classification Sherloc (09022015). Collection method: clinical testing. Allele origin: germline.
Comment: This sequence change creates a premature translational stop signal (p.Lys328Thrfs*46) in the IGHMBP2 gene. It is expected to result in an absent or disrupted protein product. Loss-of-function variants in IGHMBP2 are known to be pathogenic (PMID: 14681881, 25439726, 25568292). This variant is present in population databases (rs746581714, gnomAD 0.002%). This premature translational stop signal has been observed in individual(s) with Charcot-Marie-Tooth (CMT) disease and spinal muscular atrophy with respiratory distress (SMARD1) (PMID: 14681881, 27450922). In at least one individual the data is consistent with being in trans (on the opposite chromosome) from a pathogenic variant. It has also been observed to segregate with disease in related individuals. ClinVar contains an entry for this variant (Variation ID: 217449). For these reasons, this variant has been classified as Pathogenic.

PreventionGenetics, part of Exact Sciences
Classification: Pathogenic for IGHMBP2-related condition. Last evaluated: 2025-06-24. Review status: criteria provided, single submitter. Criteria: ACMG Guidelines, 2015. Collection method: clinical testing. Allele origin: germline.
Comment: The IGHMBP2 c.983_987del5 variant is predicted to result in a frameshift and premature protein termination (p.Lys328Thrfs*46). This variant in the homozygous or heterozygous (second variant not observed) state has been documented in two unrelated individuals with spinal muscular atrophy with respiratory distress type 1 (SMARD1) (Grohmann et al. 2003. PubMed ID: 14681881). Another family with this variant had two siblings who were compound heterozygous for this variant and a missense variant (Pedurupillay. 2016. PubMed ID: 27450922). This variant is reported in 0.0023% of alleles in individuals of European (non-Finnish) descent in gnomAD. Frameshift variants in IGHMBP2 are expected to be pathogenic. This variant is interpreted as pathogenic.

Fulgent Genetics
Classification: Pathogenic for Autosomal recessive distal spinal muscular atrophy 1; Charcot-Marie-Tooth disease axonal type 2S. Last evaluated: 2024-06-18. Review status: criteria provided, single submitter. Criteria: ACMG Guidelines, 2015. Collection method: clinical testing. Allele origin: germline.

GeneDx
Classification: Pathogenic. Last evaluated: 2023-09-21. Review status: criteria provided, single submitter. Criteria: GeneDx Variant Classification Process June 2021. Collection method: clinical testing. Allele origin: germline.
Comment: Frameshift variant predicted to result in protein truncation or nonsense mediated decay in a gene for which loss-of-function is a known mechanism of disease; Not observed at a significant frequency in large population cohorts (gnomAD); This variant is associated with the following publications: (PMID: 31980526, 14681881, 27450922)

Department of Medical Genetics, Oslo University Hospital
Classification: Likely pathogenic for Autosomal recessive distal spinal muscular atrophy 1. Last evaluated: 2015-10-21. Review status: criteria provided, single submitter. Criteria: Pedurupillay CR et al. (Neuromuscul Disord. 2016). Collection method: research. Allele origin: germline. Inheritance: Autosomal recessive inheritance. Affected: yes. Observed: 1 compound heterozygote. Segregation with disease observed.

Department of Medical Genetics, Oslo University Hospital
Classification: Likely pathogenic for Charcot-Marie-Tooth disease axonal type 2S. Last evaluated: 2015-10-21. Review status: criteria provided, single submitter. Criteria: Pedurupillay CR et al. (Neuromuscul Disord. 2016). Collection method: research. Allele origin: germline. Inheritance: Autosomal recessive inheritance. Affected: yes. Observed: 1 compound heterozygote. Segregation with disease observed.

Rady Children's Institute for Genomic Medicine, Rady Children's Hospital San Diego
Classification: Pathogenic for IGHMBP2-related disorders. Review status: criteria provided, single submitter. Criteria: ACMG Guidelines, 2015. Collection method: clinical testing. Allele origin: germline. Affected: yes.
Comment: This frameshifting variant in exon 7 of 15 introduces a premature stop codon and is therefore predicted to result in loss of normal protein function through either protein truncation or nonsense-mediated mRNA decay (NMD). This variant has been previously reported as a heterozygous, homozygous, and compound heterozygous change in patients with sensorimotor axonal neuropathy/ infantile spinal muscular atrophy with or without respiratory failure (PMID: 27450922, 14681881). Loss-of-function variation in IGHMBP2 is an established mechanism of disease (PMID: 14681881, 25439726, 25568292). The c.983_987del (p.Lys328ThrfsTer46) variant is present in the heterozygous state in the gnomAD population database at a frequency of 0.001% (3/282884) and is absent in the homozygous state, thus is presumed to be rare. Based on the available evidence, the c.983_987del (p.Lys328ThrfsTer46) variant is classified as Likely Pathogenic.

Genesis Genome Database
Classification: Uncertain significance for Charcot-Marie-Tooth disease. Last evaluated: 2019-08-14. Review status: no assertion criteria provided. Collection method: research. Allele origin: germline. Affected: yes. Not counted in ClinVar's aggregate classification.

Inherited Neuropathy Consortium
Classification: Uncertain significance for Autosomal dominant distal hereditary motor neuropathy. Review status: no assertion criteria provided. Collection method: literature only. Allele origin: germline. Affected: yes. Not counted in ClinVar's aggregate classification.

Literature cited by the submitters: PubMed 14681881 (cited by Labcorp Genetics (formerly Invitae), Labcorp); PubMed 25439726 (cited by Labcorp Genetics (formerly Invitae), Labcorp); PubMed 25568292 (cited by Labcorp Genetics (formerly Invitae), Labcorp); PubMed 27450922 (cited by Labcorp Genetics (formerly Invitae), Labcorp); PubMed 15290238 (cited by Inherited Neuropathy Consortium).